The following is an entry in ClinVar:

NM_000551.4(VHL):c.340+574A>T

Genes: VHL (von Hippel-Lindau tumor suppressor; plus strand), LOC107303340 (3p25 von Hippel-Lindau tumor suppressor, E3 ubiquitin protein ligase Alu-mediated recombination region; plus strand). Cytogenetic location: 3p25.3.
Variant type: single nucleotide variant.
Coding change: c.340+574A>T on transcript NM_000551.4 (MANE Select); 574 bases into the intron after coding-DNA position 340, A replaced by T.
Molecular consequence: intron variant. On other transcripts: splice acceptor variant (1).
Genome position (GRCh38, 1-based): chr3:10,142,761, A>T. VCF-style: chr3-10142761-A-T. GRCh37 (hg19) VCF-style: chr3-10184445-A-T.
Other names: c.341-2A>T (NM_001354723.2); c.340+574A>T (NM_198156.3, NM_000551.3).
Identifiers: ClinVar variation 1040488 (VCV001040488.23), dbSNP rs982745672, ClinGen allele CA70046634.
Genomic context (GRCh38, chr3:10,142,761, plus strand): 5'-CCCACCCCACGTGTATTTTCCCCTCAAAGAAAAGCTGCATCCTTAACACCCCATCTGTTC[A>T]GTCCTCATGACTCCAGTGGGCCAGTTCTGCGTAGTCCCTGCCCTCGTGGAGAACACATTC-3'

ClinVar aggregate classification (germline): Conflicting classifications of pathogenicity. Review status: criteria provided, conflicting classifications (1 of 4 stars). 3 submissions from 3 submitters: Likely pathogenic (2); Uncertain significance (1). Last evaluated 2025-12-08.

Conditions:
Hereditary cancer-predisposing syndrome. Also called: Tumor predisposition; Hereditary neoplastic syndrome; Neoplastic Syndromes, Hereditary; Hereditary Cancer Syndrome. Identifiers: Orphanet 140162, MedGen C0027672, MeSH D009386, MONDO:0015356.
Chuvash polycythemia. Also called: POLYCYTHEMIA, VHL-DEPENDENT. Identifiers: Orphanet 238557, MedGen C1837915, MONDO:0009892, OMIM 263400.
Von Hippel-Lindau syndrome (VHLS). Also called: VHL syndrome; von Hippel–Lindau syndrome; Von Hippel-Lindau. Identifiers: Orphanet 892, MedGen C0019562, MONDO:0008667, OMIM 193300. Disease mechanism: loss of function.

Allele frequency attached by ClinVar (database versions not stated): gnomAD 0.00001; TOPMed 0.00001.
gnomAD v4.1: 1 of 156,686 alleles (0.00064%); highest among the groups gnomAD compares: Non-Finnish European, 0.0014%; no homozygotes.

Submissions (3):

Labcorp Genetics (formerly Invitae), Labcorp
Classification: Likely pathogenic for Von Hippel-Lindau syndrome; Chuvash polycythemia. Last evaluated: 2025-12-08. Review status: criteria provided, single submitter. Criteria: Invitae Variant Classification Sherloc (09022015). Collection method: clinical testing. Allele origin: germline.
Comment: This sequence change falls in intron 1 of the VHL gene. It is not expected to change the encoded amino acid sequence of the VHL protein. However, this sequence change falls within a cryptic exon in the VHL gene, known as exon E1’, which is naturally expressed at low levels in several human tissues (PMID: 29891534). This variant is not present in population databases (gnomAD no frequency). This variant has been observed in individual(s) with clinical features of familial erythrocytosis (PMID: 29891534; internal data). In at least one individual the data is consistent with being in trans (on the opposite chromosome) from a pathogenic variant. ClinVar contains an entry for this variant (Variation ID: 1040488). Studies have shown that this variant results in a disruption of the relative levels of naturally occurring VHL mRNA isoforms, increasing expression of exon E1’ containing isoforms and decreasing the expression of the major mRNA isoforms, and introducing a premature termination codon (PMID: 29891534; internal data). The resulting mRNA is expected to undergo nonsense-mediated decay. In summary, the currently available evidence indicates that the variant is pathogenic, but additional data are needed to prove that conclusively. Therefore, this variant has been classified as Likely Pathogenic.

Ambry Genetics
Classification: Uncertain significance for Hereditary cancer-predisposing syndrome. Last evaluated: 2025-04-10. Review status: criteria provided, single submitter. Criteria: Ambry Variant Classification Scheme 2023. Collection method: clinical testing. Allele origin: germline.
Comment: The c.340+574A>T intronic variant results from an A to T substitution 574 nucleotides after coding exon 1 in the VHL gene. This variant has been identified in conjunction with other VHL variants in individuals with features consistent with VHL-related polycythemia (Lenglet M et al. Blood, 2018 Aug;132:469-483). This nucleotide position is highly conserved in available vertebrate species. In silico splice site analysis for this alteration is inconclusive. RNA studies have identified a cryptic exon insertion event associated with this variant; however, the clinical impact of this event is unknown at this time (Lenglet M et al. Blood, 2018 Aug;132:469-483; Ambry internal data). Based on the available evidence, the clinical significance of this variant remains unclear.

CeGaT Center for Human Genetics Tuebingen
Classification: Likely pathogenic. Last evaluated: 2024-11-01. Review status: criteria provided, single submitter. Criteria: CeGaT Center For Human Genetics Tuebingen Variant Classification Criteria Version 2. Collection method: clinical testing. Allele origin: germline. Affected: yes. Observed: 1 variant allele.
Comment: VHL: PVS1:Strong, PM2, PM3, PS3:Supporting

Literature cited by the submitters: PubMed 29891534 (cited by Labcorp Genetics (formerly Invitae), Labcorp and Ambry Genetics).